The following is an entry in ClinVar:

ClinVar aggregate classification (germline): Uncertain significance (1 of 4 stars; one submission).

Allele frequency attached by ClinVar (database versions not stated): TOPMed below 0.00001.

Submission:

Labcorp Genetics (formerly Invitae), Labcorp
Classification: Uncertain significance. Last evaluated: 2022-06-24. Review status: criteria provided, single submitter. Criteria: Invitae Variant Classification Sherloc (09022015). Collection method: clinical testing. Allele origin: germline.
Comment: This sequence change replaces leucine, which is neutral and non-polar, with proline, which is neutral and non-polar, at codon 10 of the FRAS1 protein (p.Leu10Pro). This variant is not present in population databases (gnomAD no frequency). This variant has not been reported in the literature in individuals affected with FRAS1-related conditions. Algorithms developed to predict the effect of missense changes on protein structure and function (SIFT, PolyPhen-2, Align-GVGD) all suggest that this variant is likely to be tolerated. In summary, the available evidence is currently insufficient to determine the role of this variant in disease. Therefore, it has been classified as a Variant of Uncertain Significance.

NM_025074.7(FRAS1):c.29T>C (p.Leu10Pro)

Gene: FRAS1 (Fraser extracellular matrix complex subunit 1; plus strand). Cytogenetic location: 4q21.21.
Variant type: single nucleotide variant.
Coding change: c.29T>C on transcript NM_025074.7 (MANE Select); coding-DNA position 29, T replaced by C.
Protein change: p.Leu10Pro; replaces leucine 10 with proline.
Molecular consequence: missense variant.
Genome position (GRCh38, 1-based): chr4:78,058,038, T>C. VCF-style: chr4-78058038-T-C. GRCh37 (hg19) VCF-style: chr4-78979192-T-C.
Other names: c.29T>C, p.Leu10Pro (NM_001166133.2); short protein forms L10P.
Identifiers: ClinVar variation 2134637 (VCV002134637.1), dbSNP rs1739554702, ClinGen allele CA357463405.